The following is an entry in ClinVar:

ClinVar aggregate classification (germline): Uncertain significance (1 of 4 stars; one submission).

Conditions:
Hyperekplexia 3 (HKPX3). Also called: HYPEREKPLEXIA 3, AUTOSOMAL RECESSIVE; HYPEREKPLEXIA 3, AUTOSOMAL DOMINANT. Identifiers: Orphanet 3197, MedGen C3553288, MONDO:0013827, OMIM 614618.

gnomAD v4.1: 2 of 1,614,096 alleles (0.00012%); highest among the groups gnomAD compares: Non-Finnish European, 0.00017%; no homozygotes.

Submission:

Labcorp Genetics (formerly Invitae), Labcorp
Classification: Uncertain significance for Hyperekplexia 3. Last evaluated: 2024-06-28. Review status: criteria provided, single submitter. Criteria: Invitae Variant Classification Sherloc (09022015). Collection method: clinical testing. Allele origin: germline.
Comment: This sequence change replaces valine, which is neutral and non-polar, with isoleucine, which is neutral and non-polar, at codon 214 of the SLC6A5 protein (p.Val214Ile). This variant is not present in population databases (gnomAD no frequency). This variant has not been reported in the literature in individuals affected with SLC6A5-related conditions. Advanced modeling of protein sequence and biophysical properties (such as structural, functional, and spatial information, amino acid conservation, physicochemical variation, residue mobility, and thermodynamic stability) performed at Invitae indicates that this missense variant is not expected to disrupt SLC6A5 protein function with a negative predictive value of 80%. In summary, the available evidence is currently insufficient to determine the role of this variant in disease. Therefore, it has been classified as a Variant of Uncertain Significance.

NM_004211.5(SLC6A5):c.640G>A (p.Val214Ile)

Gene: SLC6A5 (solute carrier family 6 member 5; plus strand). Cytogenetic location: 11p15.1.
Variant type: single nucleotide variant.
Coding change: c.640G>A on transcript NM_004211.5 (MANE Select); coding-DNA position 640, G replaced by A.
Protein change: p.Val214Ile; replaces valine 214 with isoleucine.
Molecular consequence: missense variant. On other transcripts: intron variant (1).
Genome position (GRCh38, 1-based): chr11:20,604,385, G>A. VCF-style: chr11-20604385-G-A. GRCh37 (hg19) VCF-style: chr11-20625931-G-A.
Other names: c.-23-2622G>A (NM_001318369.2); short protein forms V214I.
Identifiers: ClinVar variation 3707348 (VCV003707348.2).
Genomic context (GRCh38, chr11:20,604,385, plus strand): 5'-TGGTCCAGCAAACTGGACTTCATCCTGTCCATGGTGGGGTACGCAGTGGGGCTGGGCAAT[G>A]TCTGGAGGTTTCCCTACCTGGCCTTCCAGAACGGGGGAGGTATGGCTTTTCCGCTCTTTC-3'
Protein context (NP_004202.4, residues 204-224): MVGYAVGLGN[Val214Ile]WRFPYLAFQN